The following is an entry in ClinVar:

NM_000528.4(MAN2B1):c.1338C>A (p.His446Gln)

Gene: MAN2B1 (mannosidase alpha class 2B member 1; minus strand). Cytogenetic location: 19p13.13.
Variant type: single nucleotide variant.
Coding change: c.1338C>A on transcript NM_000528.4 (MANE Select); coding-DNA position 1338, C replaced by A.
Protein change: p.His446Gln; replaces histidine 446 with glutamine.
Molecular consequence: missense variant.
Genome position (GRCh38, 1-based): chr19:12,657,527, G>T on the plus strand (C>A on the coding strand, the complement: MAN2B1 is on the minus strand). VCF-style: chr19-12657527-G-T. GRCh37 (hg19) VCF-style: chr19-12768341-G-T.
Other names: c.1335C>A, p.His445Gln (NM_001173498.2); short protein forms H445Q, H446Q.
Identifiers: ClinVar variation 3371689 (VCV003371689.1).
Genomic context (GRCh38, chr19:12,657,527, plus strand): 5'-CGCAAGCTGGCGCGCGTAGTCGTTGGCCACGTGCTGGCGGGAGGTGCCGCTGACGGCGTC[G>T]TGATGCTGGAGCACAGCCATCGCCTCATCTGCTCATAGACAATGAGTCCGGTGAGGTTCT-3'
Protein context (NP_000519.2, residues 436-456): LNEAMAVLQH[His446Gln]DAVSGTSRQH

ClinVar aggregate classification (germline): Uncertain significance (1 of 4 stars; one submission).

gnomAD v4.1: 2 of 1,565,658 alleles (0.00013%); highest among the groups gnomAD compares: East Asian, 0.0047%; no homozygotes.

Submission:

GeneDx
Classification: Uncertain significance. Last evaluated: 2024-03-30. Review status: criteria provided, single submitter. Criteria: GeneDx Variant Classification Process June 2021. Collection method: clinical testing. Allele origin: germline. Affected: yes.
Comment: Not observed at significant frequency in large population cohorts (gnomAD); In silico analysis supports that this missense variant has a deleterious effect on protein structure/function; Has not been previously published as pathogenic or benign to our knowledge